The following is an entry in ClinVar:

NM_000540.3(RYR1):c.14564T>G (p.Val4855Gly)

Gene: RYR1 (ryanodine receptor 1; plus strand). Cytogenetic location: 19q13.2.
Variant type: single nucleotide variant.
Coding change: c.14564T>G on transcript NM_000540.3 (MANE Select); coding-DNA position 14564, T replaced by G.
Protein change: p.Val4855Gly; replaces valine 4855 with glycine.
Molecular consequence: missense variant.
Genome position (GRCh38, 1-based): chr19:38,580,422, T>G. VCF-style: chr19-38580422-T-G. GRCh37 (hg19) VCF-style: chr19-39071062-T-G.
Other names: c.14549T>G, p.Val4850Gly (NM_001042723.2); short protein forms V4850G, V4855G.
Identifiers: ClinVar variation 4539949 (VCV004539949.1).

ClinVar aggregate classification (germline): Uncertain significance (1 of 4 stars; one submission).

Submission:

GeneDx
Classification: Uncertain significance. Last evaluated: 2025-06-28. Review status: criteria provided, single submitter. Criteria: GeneDx Variant Classification Process June 2021. Collection method: clinical testing. Allele origin: germline. Affected: yes.
Comment: Not observed at significant frequency in large population cohorts (gnomAD); In silico analysis supports that this missense variant has a deleterious effect on protein structure/function; Has not been previously published as pathogenic or benign to our knowledge; This variant is associated with the following publications: (PMID: 20681998, 33767344)